The following is an entry in ClinVar:

ClinVar aggregate classification (germline): Uncertain significance. Review status: criteria provided, single submitter (1 of 4 stars). 2 submissions from 2 submitters: Uncertain significance (1). 1 of the submissions does not count toward it. Last evaluated 2017-08-14.

Conditions:
Nemaline myopathy 2 (NEM2). Also called: Nemaline myopathy 2, autosomal recessive. Identifiers: MedGen C1850569, MONDO:0009725, OMIM 256030.

Allele frequency attached by ClinVar (database versions not stated): gnomAD exomes 0.00004.

Submissions (2):

Labcorp Genetics (formerly Invitae), Labcorp
Classification: Uncertain significance for Nemaline myopathy 2. Last evaluated: 2017-08-14. Review status: criteria provided, single submitter. Criteria: Invitae Variant Classification Sherloc (09022015). Collection method: clinical testing. Allele origin: germline.
Comment: This variant occurs in a region of NEB (Exons 82-105) consisting of three highly homologous 8-exon repeat units (exons 82-89, exons 90-97, exons 98-105). Sequence variants in this region can be detected, but this assay cannot determine which of the three repeat units is affected, and zygosity is often ambiguous. All variants in this region are reported relative to the exon 82-89 repeat. This variant has not been reported in the literature in individuals with NEB-related disease. Algorithms developed to predict the effect of missense changes on protein structure and function output the following: SIFT: "Tolerated"; Align-GVGD: "Class C0". The valine amino acid residue is found in multiple mammalian species, suggesting that this missense change does not adversely affect protein function. These predictions have not been confirmed by published functional studies and their clinical significance is uncertain. Algorithms developed to predict the effect of sequence changes on RNA splicing suggest that this variant may create or strengthen a splice site, but this prediction has not been confirmed by published transcriptional studies. In summary, the available evidence is currently insufficient to determine the role of this variant in disease. Therefore, it has been classified as a Variant of Uncertain Significance.

Natera, Inc.
Classification: Uncertain significance for Nemaline myopathy type 2. Last evaluated: 2019-11-11. Review status: no assertion criteria provided. Collection method: clinical testing. Allele origin: germline. Not counted in ClinVar's aggregate classification.

NM_001164508.2(NEB):c.12790A>G (p.Met4264Val)

Gene: NEB (nebulin; minus strand). Cytogenetic location: 2q23.3.
Variant type: single nucleotide variant.
Coding change: c.12790A>G on transcript NM_001164508.2 (MANE Select); coding-DNA position 12790, A replaced by G.
Protein change: p.Met4264Val; replaces methionine 4264 with valine.
Molecular consequence: missense variant. On other transcripts: intron variant (1).
Genome position (GRCh38, 1-based): chr2:151,604,829, T>C on the plus strand (A>G on the coding strand, the complement: NEB is on the minus strand). VCF-style: chr2-151604829-T-C. GRCh37 (hg19) VCF-style: chr2-152461343-T-C.
Other names: c.12790A>G, p.Met4264Val (NM_001164507.2, NM_001271208.2); c.11601+4980A>G (NM_004543.5); short protein forms M4264V.
Identifiers: ClinVar variation 533986 (VCV000533986.7), dbSNP rs1363996930, ClinGen allele CA348773916.